The following is an entry in ClinVar:

ClinVar aggregate classification (germline): Benign/Likely benign. Review status: criteria provided, multiple submitters, no conflicts (2 of 4 stars). 3 submissions from 3 submitters: Benign (1); Likely benign (2). Last evaluated 2025-08-12.

Conditions:
Familial melanoma. Also called: Hereditary melanoma; Hereditary cutaneous melanoma. Identifiers: Orphanet 618, MedGen C1512419, MONDO:0018961.
Hereditary cancer-predisposing syndrome. Also called: Neoplastic Syndromes, Hereditary; Tumor predisposition; Hereditary Cancer Syndrome; Hereditary neoplastic syndrome. Identifiers: Orphanet 140162, MedGen C0027672, MeSH D009386, MONDO:0015356.
Melanoma-pancreatic cancer syndrome. Identifiers: Orphanet 404560, MedGen C1838547, MONDO:0011713, OMIM 606719. Disease mechanism: loss of function.

gnomAD v4.1: 1 of 1,605,680 alleles (0.000062%); highest among the groups gnomAD compares: Non-Finnish European, 0.000085%; no homozygotes.

Submissions (3):

Myriad Genetics, Inc.
Classification: Benign for Melanoma-pancreatic cancer syndrome. Last evaluated: 2025-08-12. Review status: criteria provided, single submitter. Criteria: Myriad Autosomal Dominant, Autosomal Recessive and X-Linked Classification Criteria (2023). Collection method: clinical testing. Allele origin: unknown.
Comment: This variant is considered benign. This variant is a silent/synonymous amino acid change and it is not expected to impact splicing.

Ambry Genetics
Classification: Likely benign for Hereditary cancer-predisposing syndrome. Last evaluated: 2024-06-27. Review status: criteria provided, single submitter. Criteria: Ambry Variant Classification Scheme 2023. Collection method: clinical testing. Allele origin: germline.

Labcorp Genetics (formerly Invitae), Labcorp
Classification: Likely benign for Familial melanoma. Last evaluated: 2018-03-14. Review status: criteria provided, single submitter. Criteria: Invitae Variant Classification Sherloc (09022015). Collection method: clinical testing. Allele origin: germline.

NM_058195.4(CDKN2A):c.72G>C (p.Val24=)

Gene: CDKN2A (cyclin dependent kinase inhibitor 2A; minus strand). Cytogenetic location: 9p21.3.
Variant type: single nucleotide variant.
Coding change: c.72G>C on transcript NM_058195.4 (MANE Plus Clinical); coding-DNA position 72, G replaced by C.
Protein change: p.Val24=; no amino-acid change (valine 24 retained).
Molecular consequence: synonymous variant. On other transcripts: intron variant (1).
Genome position (GRCh38, 1-based): chr9:21,994,260, C>G on the plus strand (G>C on the coding strand, the complement: CDKN2A is on the minus strand). VCF-style: chr9-21994260-C-G. GRCh37 (hg19) VCF-style: chr9-21994259-C-G.
Other names: c.-4+561G>C (NM_001363763.2).
Identifiers: ClinVar variation 1114482 (VCV001114482.7), dbSNP rs2131148725, ClinGen allele CA464100340.
Genomic context (GRCh38, chr9:21,994,260, plus strand): 5'-GGCCACAGCGGCGGGCGCCCCTGGCGCTGCCCACTCCCCCGTGAGCCGCGGGATGTGAAC[C>G]ACGAAAACCCTCACTCGCGGCGGGCCGCACGCGCGCCGAATCCGGAGGGTCACCAAGAAC-3'
Protein context (NP_478102.2, residues 14-34): ACGPPRVRVF[Val24=]VHIPRLTGEW